The following is an entry in ClinVar:

ClinVar aggregate classification (germline): Uncertain significance (1 of 4 stars; one submission).

Conditions:
Breast-ovarian cancer, familial, susceptibility to, 2 (BROVCA2). Also called: BRCA2 Hereditary Breast and Ovarian Cancer. Identifiers: Orphanet 145, MedGen C2675520, MONDO:0012933, OMIM 612555. Disease mechanism: loss of function.

gnomAD v4.1: 1 of 1,614,018 alleles (0.000062%); highest among the groups gnomAD compares: Non-Finnish European, 0.000085%; no homozygotes.

Submission:

Cancer Bioinformatics and Tumour Evolution Laboratory, Monash University
Classification: Uncertain significance for Breast-ovarian cancer, familial, susceptibility to, 2. Last evaluated: 2026-05-01. Review status: criteria provided, single submitter. Criteria: ClinGen BRCA1 and BRCA2 Guidelines, 2024. Collection method: curation. Allele origin: germline. Inheritance: Autosomal dominant inheritance.
Comment: The variant is in a functional domain (DNA Binding Domain). The BayesDel score is 0.259561, which is in the uninformative range. Hence, no computation prediction evidence code is applied. PMID: 38417439 - normal function in HDR assay PMID: 39779857 - SGE followed by HDR assay on haploid human HAP1 cells. This variant c.8510G>A; p.Gly2837Glu was found to be strongly benign. All other missenses at this position were also found to be benign except for c.8509G>A; p.Gly2837Arg which was found to be moderately pathogenic. PMID: 39779848 (2025) - SGE followed by HDR on mES cells. This variant c.8510G>A; p.Gly2837Glu was found to be strongly pathogenic. c.8509G>A; p.Gly2837 was also strongly pathogenic. All other missenses were benign. As the functional studies are discordant, no function study evidence code is applied. Hence, the variant is a VUS

Literature cited by the submitters: PubMed 38417439; PubMed 39779857; PubMed 39779848.

NM_000059.4(BRCA2):c.8510G>A (p.Gly2837Glu)

Gene: BRCA2 (BRCA2 DNA repair associated; plus strand). Cytogenetic location: 13q13.1.
Variant type: single nucleotide variant.
Coding change: c.8510G>A on transcript NM_000059.4 (MANE Select); coding-DNA position 8510, G replaced by A.
Protein change: p.Gly2837Glu; replaces glycine 2837 with glutamic acid.
Molecular consequence: missense variant. On other transcripts: non-coding transcript variant (1).
Genome position (GRCh38, 1-based): chr13:32,370,978, G>A. VCF-style: chr13-32370978-G-A. GRCh37 (hg19) VCF-style: chr13-32945115-G-A.
Other names: c.8414G>A, p.Gly2805Glu (NM_001406719.1); c.8510G>A, p.Gly2837Glu (NM_001406720.1, NM_001432077.1); c.3578G>A, p.Gly1193Glu (NM_001406721.1); c.2093G>A, p.Gly698Glu (NM_001406722.1); short protein forms G1193E, G2805E, G2837E, G698E.
Identifiers: ClinVar variation 4856517 (VCV004856517.1).